The following is an entry in ClinVar:

ClinVar aggregate classification (germline): Uncertain significance (1 of 4 stars; one submission).

Submission:

Labcorp Genetics (formerly Invitae), Labcorp
Classification: Uncertain significance. Last evaluated: 2023-02-18. Review status: criteria provided, single submitter. Criteria: Invitae Variant Classification Sherloc (09022015). Collection method: clinical testing. Allele origin: germline.
Comment: This sequence change creates a premature translational stop signal (p.Phe688Serfs*11) in the ADGRE2 gene. It is expected to result in an absent or disrupted protein product. However, the current clinical and genetic evidence is not sufficient to establish whether loss-of-function variants in ADGRE2 cause disease. This variant is present in population databases (no rsID available, gnomAD 0.01%). This variant has not been reported in the literature in individuals affected with ADGRE2-related conditions. In summary, the available evidence is currently insufficient to determine the role of this variant in disease. Therefore, it has been classified as a Variant of Uncertain Significance.

NM_013447.4(ADGRE2):c.2063del (p.Phe688fs)

Gene: ADGRE2 (adhesion G protein-coupled receptor E2; minus strand). Cytogenetic location: 19p13.12.
Variant type: Deletion.
Coding change: c.2063del on transcript NM_013447.4 (MANE Select); coding-DNA position 2063, one base deleted (T; older notation c.2063delT).
Protein change: p.Phe688fs; shifts the reading frame from phenylalanine 688.
Molecular consequence: frameshift variant.
Genome position (GRCh38, 1-based): chr19:14,746,924, A deleted on the plus strand (T on the coding strand, the reverse complement: ADGRE2 is on the minus strand); the first of 2 consecutive A bases (chr19:14,746,924-14,746,925); deleting either gives the same sequence. VCF-style (leftmost placement, unchanged base first): chr19-14746923-GA-G. GRCh37 (hg19) VCF-style: chr19-14857735-GA-G.
Other names: c.1889del, p.Phe630fs (NM_001271052.1); c.1916del, p.Phe639fs (NM_152916.2); c.1784del, p.Phe595fs (NM_152917.2); short protein forms F595fs, F639fs, F688fs, F630fs.
Identifiers: ClinVar variation 3022634 (VCV003022634.3), dbSNP rs1180038250, ClinGen allele CA631913804.